The following is an entry in ClinVar:

NM_006231.4(POLE):c.52G>T (p.Glu18Ter)

Genes: POLE (DNA polymerase epsilon, catalytic subunit; minus strand), LOC130009266 (ATAC-STARR-seq lymphoblastoid silent region 5123; plus strand). Cytogenetic location: 12q24.33.
Variant type: single nucleotide variant.
Coding change: c.52G>T on transcript NM_006231.4 (MANE Select); coding-DNA position 52, G replaced by T.
Protein change: p.Glu18Ter; replaces glutamic acid 18 with a stop codon.
Molecular consequence: nonsense.
Genome position (GRCh38, 1-based): chr12:132,687,264, C>A on the plus strand (G>T on the coding strand, the complement: POLE is on the minus strand). VCF-style: chr12-132687264-C-A. GRCh37 (hg19) VCF-style: chr12-133263850-C-A.
Other names: short protein forms E18*.
Identifiers: ClinVar variation 540774 (VCV000540774.15), dbSNP rs1555231403, ClinGen allele CA387373329.

ClinVar aggregate classification (germline): Conflicting classifications of pathogenicity. Review status: criteria provided, conflicting classifications (1 of 4 stars). 3 submissions from 3 submitters: Pathogenic (1); Likely pathogenic (1); Uncertain significance (1). Last evaluated 2026-02-05.

Conditions:
Hereditary cancer-predisposing syndrome. Also called: Tumor predisposition; Hereditary Cancer Syndrome; Neoplastic Syndromes, Hereditary; Hereditary neoplastic syndrome. Identifiers: Orphanet 140162, MedGen C0027672, MeSH D009386, MONDO:0015356.

Submissions (3):

Ambry Genetics
Classification: Uncertain significance for Hereditary cancer-predisposing syndrome. Last evaluated: 2026-02-05. Review status: criteria provided, single submitter. Criteria: Ambry Variant Classification Scheme 2023. Collection method: clinical testing. Allele origin: germline.
Comment: The p.E18* variant (also known as c.52G>T), located in coding exon 1 of the POLE gene, results from a G to T substitution at nucleotide position 52. This changes the amino acid from a glutamic acid to a stop codon within coding exon 1. The predicted stop codon occurs in the 5&rsquo; end of thegene. Premature termination codons in the 5&rsquo; end of a gene have been reported to escape nonsense-mediated mRNAdecay and/or lead to re-initiation (Rivas et al. Science. 2015 May 8;348(6235):666-9; Lindeboom et al. Nat Genet. 2016 Oct;48(10):1112-8; Rhee et al. Sci Rep. 2017 May 10;7(1):1653). Direct evidence for this alteration is unavailable, however premature termination codons are typically deleterious in nature. Although biallelic loss of function of POLE has been associated with autosomal recessive POLE deficiency, haploinsufficiency of POLE has not been established as a mechanism of disease for POLE-related polymerase proofreading-associated polyposis (PPAP) and POLE-related CMMRD-like syndrome. Based on the supporting evidence, this variant is expected to be causative of POLE deficiency when present along with a second pathogenic variant on the other allele; however, its clinical significance for PPAP and POLE-related CMMRD-like syndrome is unclear.

Labcorp Genetics (formerly Invitae), Labcorp
Classification: Pathogenic. Last evaluated: 2025-10-13. Review status: criteria provided, single submitter. Criteria: Invitae Variant Classification Sherloc (09022015). Collection method: clinical testing. Allele origin: germline.
Comment: This sequence change creates a premature translational stop signal (p.Glu18*) in the POLE gene. It is expected to result in an absent or disrupted protein product. Loss-of-function variants in POLE are known to be pathogenic (PMID: 23230001, 25948378, 30503519). This variant is not present in population databases (gnomAD no frequency). This variant has not been reported in the literature in individuals affected with POLE-related conditions. ClinVar contains an entry for this variant (Variation ID: 540774). For these reasons, this variant has been classified as Pathogenic.

Revvity Omics, Revvity
Classification: Likely pathogenic. Last evaluated: 2025-06-06. Review status: criteria provided, single submitter. Criteria: ACMG Guidelines, 2015. Collection method: clinical testing. Allele origin: germline.

Literature cited by the submitters: PubMed 23230001 (cited by Labcorp Genetics (formerly Invitae), Labcorp); PubMed 25948378 (cited by Labcorp Genetics (formerly Invitae), Labcorp); PubMed 30503519 (cited by Labcorp Genetics (formerly Invitae), Labcorp).